The following is an entry in ClinVar:

NM_002340.6(LSS):c.347G>A (p.Arg116His)

Gene: LSS (lanosterol synthase; minus strand). Cytogenetic location: 21q22.3.
Variant type: single nucleotide variant.
Coding change: c.347G>A on transcript NM_002340.6 (MANE Select); coding-DNA position 347, G replaced by A.
Protein change: p.Arg116His; replaces arginine 116 with histidine.
Molecular consequence: missense variant.
Genome position (GRCh38, 1-based): chr21:46,222,711, C>T on the plus strand (G>A on the coding strand, the complement: LSS is on the minus strand). VCF-style: chr21-46222711-C-T. GRCh37 (hg19) VCF-style: chr21-47642625-C-T.
Other names: c.347G>A, p.Arg116His (NM_001001438.3, NM_001145436.2); c.107G>A, p.Arg36His (NM_001145437.2); short protein forms R36H, R116H.
Identifiers: ClinVar variation 1033157 (VCV001033157.2), dbSNP rs146421852, ClinGen allele CA10075505.

ClinVar aggregate classification (germline): Conflicting classifications of pathogenicity. Review status: criteria provided, conflicting classifications (1 of 4 stars). 2 submissions from 2 submitters: Uncertain significance (1); Likely benign (1). Last evaluated 2026-09-23.

Conditions:
LSS-related disorder. Also called: LSS-related condition.
Cataract 44 (CTRCT44). Also called: CATARACT 44 AND HYPOTRICHOSIS. Identifiers: Orphanet 91492, Orphanet 98994, MedGen C4225300, MONDO:0014673, OMIM 616509.

Allele frequency attached by ClinVar (database versions not stated): ESP Exome Variant Server 0.00069; 1000 Genomes Project 30x 0.00078; 1000 Genomes Project 0.00080; TOPMed 0.00097.

Submissions (2):

PreventionGenetics, part of Exact Sciences
Classification: Likely benign for LSS-related condition. Last evaluated: 2026-09-23. Review status: criteria provided, single submitter. Criteria: ACMG Guidelines, 2015. Collection method: clinical testing. Allele origin: germline.
Comment: This variant is classified as likely benign based on ACMG/AMP sequence variant interpretation guidelines (Richards et al. 2015 PMID: 25741868, with internal and published modifications).

Baylor Genetics
Classification: Uncertain significance for Cataract 44. Last evaluated: 2018-08-24. Review status: criteria provided, single submitter. Criteria: ACMG Guidelines, 2015. Collection method: clinical testing. Allele origin: unknown. Affected: yes.
Comment: This variant was determined to be of uncertain significance according to ACMG Guidelines, 2015 [PMID:25741868].